The following is an entry in ClinVar:

ClinVar aggregate classification (germline): Pathogenic (1 of 4 stars; one submission).

Conditions:
Hereditary spastic paraplegia 3A (SPG3A). Also called: SPASTIC PARAPLEGIA 3, AUTOSOMAL DOMINANT; FAMILIAL SPASTIC PARAPLEGIA, AUTOSOMAL DOMINANT, 1; SPG3; STRUMPELL DISEASE; Spastic paraplegia 3A, autosomal dominant; Spastic Paraplegia 3A. Identifiers: Orphanet 100984, MedGen C2931355, MONDO:0008437, OMIM 182600.

Submission:

Labcorp Genetics (formerly Invitae), Labcorp
Classification: Pathogenic for Hereditary spastic paraplegia 3A. Last evaluated: 2022-08-09. Review status: criteria provided, single submitter. Criteria: Invitae Variant Classification Sherloc (09022015). Collection method: clinical testing. Allele origin: germline.
Comment: For these reasons, this variant has been classified as Pathogenic. This variant disrupts the p.Arg239 amino acid residue in ATL1. Other variant(s) that disrupt this residue have been determined to be pathogenic (PMID: 14607301, 15517445, 19652243, 25637064). This suggests that this residue is clinically significant, and that variants that disrupt this residue are likely to be disease-causing. Advanced modeling of protein sequence and biophysical properties (such as structural, functional, and spatial information, amino acid conservation, physicochemical variation, residue mobility, and thermodynamic stability) performed at Invitae indicates that this missense variant is expected to disrupt ATL1 protein function. ClinVar contains an entry for this variant (Variation ID: 859493). This missense change has been observed in individuals with autosomal dominant hereditary spastic paraplegia (PMID: 19459885; Invitae). This variant is not present in population databases (gnomAD no frequency). This sequence change replaces arginine, which is basic and polar, with leucine, which is neutral and non-polar, at codon 239 of the ATL1 protein (p.Arg239Leu).

Literature cited by the submitters: PubMed 14607301; PubMed 15517445; PubMed 19652243; PubMed 25637064; PubMed 19459885.

NM_015915.5(ATL1):c.716G>T (p.Arg239Leu)

Gene: ATL1 (atlastin GTPase 1; plus strand). Cytogenetic location: 14q22.1.
Variant type: single nucleotide variant.
Coding change: c.716G>T on transcript NM_015915.5 (MANE Select); coding-DNA position 716, G replaced by T.
Protein change: p.Arg239Leu; replaces arginine 239 with leucine.
Molecular consequence: missense variant.
Genome position (GRCh38, 1-based): chr14:50,613,344, G>T. VCF-style: chr14-50613344-G-T. GRCh37 (hg19) VCF-style: chr14-51080062-G-T.
Other names: c.716G>T, p.Arg239Leu (NM_001127713.1, NM_181598.4); short protein forms R239L.
Identifiers: ClinVar variation 859493 (VCV000859493.9), dbSNP rs1241621325, ClinGen allele CA389671158.